The following is an entry in ClinVar:

ClinVar aggregate classification (germline): Uncertain significance. Review status: criteria provided, multiple submitters, no conflicts (2 of 4 stars). 2 submissions from 2 submitters: Uncertain significance (2). Last evaluated 2026-06-15.

Conditions:
TUB-related disorder. Also called: TUB-related condition.

Allele frequency attached by ClinVar (database versions not stated): ExAC 0.00001; gnomAD exomes 0.00001; TOPMed 0.00001.
gnomAD v4.1: 8 of 1,613,406 alleles (0.0005%); highest among the groups gnomAD compares: Admixed American, 0.005%; no homozygotes.

Submissions (2):

PreventionGenetics, part of Exact Sciences
Classification: Uncertain significance for TUB-related condition. Last evaluated: 2026-06-15. Review status: criteria provided, single submitter. Criteria: ACMG Guidelines, 2015. Collection method: clinical testing. Allele origin: germline.
Comment: The TUB c.1064C>T variant is predicted to result in the amino acid substitution p.Ala355Val. To our knowledge, this variant has not been reported in the literature. This variant is reported in 0.0058% of alleles in individuals of Latino descent in gnomAD. At this time, the clinical significance of this variant is uncertain due to the absence of conclusive functional and genetic evidence.

Labcorp Genetics (formerly Invitae), Labcorp
Classification: Uncertain significance. Last evaluated: 2022-11-22. Review status: criteria provided, single submitter. Criteria: Invitae Variant Classification Sherloc (09022015). Collection method: clinical testing. Allele origin: germline.
Comment: In summary, the available evidence is currently insufficient to determine the role of this variant in disease. Therefore, it has been classified as a Variant of Uncertain Significance. Algorithms developed to predict the effect of missense changes on protein structure and function are either unavailable or do not agree on the potential impact of this missense change (SIFT: "Deleterious"; PolyPhen-2: "Possibly Damaging"; Align-GVGD: "Class C0"). ClinVar contains an entry for this variant (Variation ID: 1356254). This variant has not been reported in the literature in individuals affected with TUB-related conditions. This variant is present in population databases (rs771522268, gnomAD 0.006%). This sequence change replaces alanine, which is neutral and non-polar, with valine, which is neutral and non-polar, at codon 355 of the TUB protein (p.Ala355Val).

NM_177972.3(TUB):c.899C>T (p.Ala300Val)

Genes: RIC3 (RIC3 acetylcholine receptor chaperone; minus strand), TUB (TUB bipartite transcription factor; plus strand). Cytogenetic location: 11p15.4.
Variant type: single nucleotide variant.
Coding change: c.899C>T on transcript NM_177972.3 (MANE Select); coding-DNA position 899, C replaced by T.
Protein change: p.Ala300Val; replaces alanine 300 with valine.
Molecular consequence: missense variant.
Genome position (GRCh38, 1-based): chr11:8,097,727, C>T. VCF-style: chr11-8097727-C-T. GRCh37 (hg19) VCF-style: chr11-8119274-C-T.
Other names: c.1064C>T (NM_003320.4); c.1064C>T, p.Ala355Val (NM_003320.5); short protein forms A355V, A300V.
Identifiers: ClinVar variation 1356254 (VCV001356254.5), dbSNP rs771522268, ClinGen allele CA5871273.